The following is an entry in ClinVar:

NM_001270.4(CHD1):c.4330C>G (p.Leu1444Val)

Gene: CHD1 (chromodomain helicase DNA binding protein 1; minus strand). Cytogenetic location: 5q15.
Variant type: single nucleotide variant.
Coding change: c.4330C>G on transcript NM_001270.4 (MANE Select); coding-DNA position 4330, C replaced by G.
Protein change: p.Leu1444Val; replaces leucine 1444 with valine.
Molecular consequence: missense variant. On other transcripts: non-coding transcript variant (1).
Genome position (GRCh38, 1-based): chr5:98,863,505, G>C on the plus strand (C>G on the coding strand, the complement: CHD1 is on the minus strand). VCF-style: chr5-98863505-G-C. GRCh37 (hg19) VCF-style: chr5-98199209-G-C.
Other names: c.4594C>G, p.Leu1532Val (NM_001364113.3); c.4330C>G, p.Leu1444Val (NM_001376194.2); short protein forms L1444V, L1532V.
Identifiers: ClinVar variation 4086579 (VCV004086579.1).

ClinVar aggregate classification (germline): Uncertain significance (1 of 4 stars; one submission).

Submission:

GeneDx
Classification: Uncertain significance. Last evaluated: 2025-03-18. Review status: criteria provided, single submitter. Criteria: GeneDx Variant Classification Process June 2021. Collection method: clinical testing. Allele origin: germline. Affected: yes.
Comment: Not observed at significant frequency in large population cohorts (gnomAD); In silico analysis indicates that this missense variant does not alter protein structure/function; Has not been previously published as pathogenic or benign to our knowledge